The following is an entry in ClinVar:

NM_000429.3(MAT1A):c.596G>A (p.Arg199His)

Gene: MAT1A (methionine adenosyltransferase 1A; minus strand). Cytogenetic location: 10q22.3.
Variant type: single nucleotide variant.
Coding change: c.596G>A on transcript NM_000429.3 (MANE Select); coding-DNA position 596, G replaced by A.
Protein change: p.Arg199His; replaces arginine 199 with histidine.
Molecular consequence: missense variant.
Genome position (GRCh38, 1-based): chr10:80,276,548, C>T on the plus strand (G>A on the coding strand, the complement: MAT1A is on the minus strand). VCF-style: chr10-80276548-C-T. GRCh37 (hg19) VCF-style: chr10-82036304-C-T.
Other names: short protein forms R199H.
Identifiers: ClinVar variation 285974 (VCV000285974.13), dbSNP rs144099376, ClinGen allele CA5576748.

ClinVar aggregate classification (germline): Pathogenic. Review status: criteria provided, multiple submitters, no conflicts (2 of 4 stars). 3 submissions from 3 submitters: Pathogenic (2). 1 of the submissions does not count toward it. Last evaluated 2024-11-13.

Conditions:
Hepatic methionine adenosyltransferase deficiency. Also called: Isolated Persistent Hypermethioninemia; Deficiency of methionine adenosyltransferase; MAT I/III DEFICIENCY; Methionine adenosyltransferase deficiency. Identifiers: Orphanet 168598, MedGen C0268621, MeSH C564683, MONDO:0009607, OMIM 250850.

Allele frequency attached by ClinVar (database versions not stated): gnomAD 0.00001 and 0.00003; gnomAD exomes 0.00001 and 0.00002; ExAC 0.00002; TOPMed 0.00005; ESP Exome Variant Server 0.00008.
gnomAD v4.1: 22 of 1,613,642 alleles (0.0014%); highest among the groups gnomAD compares: African/African-American, 0.004%; no homozygotes.

Submissions (3):

Women's Health and Genetics/Laboratory Corporation of America, LabCorp
Classification: Pathogenic for Hepatic methionine adenosyltransferase deficiency. Last evaluated: 2024-11-13. Review status: criteria provided, single submitter. Criteria: LabCorp Variant Classification Summary - May 2015. Collection method: clinical testing. Allele origin: germline.
Comment: Variant summary: MAT1A c.596G>A (p.Arg199His) results in a non-conservative amino acid change in the encoded protein sequence. Four of five in-silico tools predict a damaging effect of the variant on protein function. The variant allele was found at a frequency of 1.6e-05 in 251060 control chromosomes. c.596G>A has been reported in the literature in multiple individuals affected with Hepatic methionine adenosyltransferase deficiency (e.g. Chien_2015, Kim_2016, Ma_2024, Labcorp (formerly Invitae)). These data indicate that the variant is very likely to be associated with disease. Additionally, a different variant affecting the same codon has been classified as pathogenic by our lab (c.595C>T, p.Arg199Cys), supporting the critical relevance of codon 199 to MAT1A protein function. The following publications have been ascertained in the context of this evaluation (PMID: 26289392, 26933843, 39511588). ClinVar contains an entry for this variant (Variation ID: 285974). Based on the evidence outlined above, the variant was classified as pathogenic.

Labcorp Genetics (formerly Invitae), Labcorp
Classification: Pathogenic for Hepatic methionine adenosyltransferase deficiency. Last evaluated: 2022-01-19. Review status: criteria provided, single submitter. Criteria: Invitae Variant Classification Sherloc (09022015). Collection method: clinical testing. Allele origin: germline.
Comment: For these reasons, this variant has been classified as Pathogenic. This variant disrupts the p.Arg199 amino acid residue in MAT1A. Other variant(s) that disrupt this residue have been determined to be pathogenic (PMID: 8770875). This suggests that this residue is clinically significant, and that variants that disrupt this residue are likely to be disease-causing. Algorithms developed to predict the effect of missense changes on protein structure and function (SIFT, PolyPhen-2, Align-GVGD) all suggest that this variant is likely to be disruptive. ClinVar contains an entry for this variant (Variation ID: 285974). This missense change has been observed in individual(s) with autosomal recessive MAT I/III deficiency (PMID: 26289392, 26933843; Invitae). In at least one individual the data is consistent with being in trans (on the opposite chromosome) from a pathogenic variant. This variant is present in population databases (rs144099376, gnomAD 0.004%). This sequence change replaces arginine, which is basic and polar, with histidine, which is basic and polar, at codon 199 of the MAT1A protein (p.Arg199His).

Eurofins Ntd Llc (ga)
Classification: Uncertain significance. Last evaluated: 2016-02-13. Review status: flagged submission. Criteria: EGL Classification Definitions 2015. Collection method: clinical testing. Allele origin: germline. Observed: 1 variant allele, 1 heterozygote. Not counted in ClinVar's aggregate classification.
ClinVar note: Reason: Older claim that does not account for recent evidence

Literature cited by the submitters: PubMed 26289392 (cited by 3 submitters); PubMed 26933843 (cited by Women's Health and Genetics/Laboratory Corporation of America, LabCorp and Labcorp Genetics (formerly Invitae), Labcorp); PubMed 39511588 (cited by Women's Health and Genetics/Laboratory Corporation of America, LabCorp); PubMed 8770875 (cited by Labcorp Genetics (formerly Invitae), Labcorp).